The following is an entry in ClinVar:

ClinVar aggregate classification (germline): Benign. Review status: criteria provided, multiple submitters, no conflicts (2 of 4 stars). 3 submissions from 3 submitters: Benign (3). Last evaluated 2018-06-28.

Conditions:
Giant axonal neuropathy 1 (GAN1). Also called: GAN-Related Neurodegeneration; GIANT AXONAL NEUROPATHY 1, AUTOSOMAL RECESSIVE. Identifiers: Orphanet 643, MedGen C1850386, MONDO:0009749, OMIM 256850.

Allele frequency attached by ClinVar (database versions not stated): gnomAD exomes 0.03111; gnomAD 0.04160 and 0.04338; TOPMed 0.04522; 1000 Genomes Project 30x 0.07808; 1000 Genomes Project 0.08147.

Submissions (3):

GeneDx
Classification: Benign. Last evaluated: 2018-06-28. Review status: criteria provided, single submitter. Criteria: GeneDx Variant Classification Process June 2021. Collection method: clinical testing. Allele origin: germline. Affected: yes.

Illumina Laboratory Services, Illumina
Classification: Benign for Giant axonal neuropathy 1. Last evaluated: 2018-01-13. Review status: criteria provided, single submitter. Criteria: ICSL Variant Classification Criteria 13 December 2019. Collection method: clinical testing. Allele origin: germline.
Comment: This variant was observed in the ICSL laboratory as part of a predisposition screen in an ostensibly healthy population. It had not been previously curated by ICSL or reported in the Human Gene Mutation Database (HGMD: prior to June 1st, 2018), and was therefore a candidate for classification through an automated scoring system. Utilizing variant allele frequency, disease prevalence and penetrance estimates, and inheritance mode, an automated score was calculated to assess if this variant is too frequent to cause the disease. Based on the score and internal cut-off values, a variant classified as benign is not then subjected to further curation. The score for this variant resulted in a classification of benign for this disease.

Breakthrough Genomics
Classification: Benign. Review status: criteria provided, single submitter. Criteria: ACMG Guidelines, 2015. Collection method: not provided. Allele origin: germline. Inheritance: Autosomal recessive inheritance. Affected: yes.

NM_022041.4(GAN):c.*294A>G

Gene: GAN (gigaxonin; plus strand). Cytogenetic location: 16q23.2.
Variant type: single nucleotide variant.
Coding change: c.*294A>G on transcript NM_022041.4 (MANE Select); 294 bases downstream of the stop codon, A replaced by G.
Molecular consequence: 3 prime UTR variant.
Genome position (GRCh38, 1-based): chr16:81,377,890, A>G. VCF-style: chr16-81377890-A-G. GRCh37 (hg19) VCF-style: chr16-81411495-A-G.
Other names: c.*294A>G (NM_001377486.1).
Identifiers: ClinVar variation 320670 (VCV000320670.8), dbSNP rs16955210, ClinGen allele CA10644321.